The following is an entry in ClinVar:

ClinVar aggregate classification (germline): Benign. Review status: criteria provided, multiple submitters, no conflicts (2 of 4 stars). 4 submissions from 4 submitters: Benign (3). 1 of the submissions does not count toward it. Last evaluated 2021-07-15.

Conditions:
SEMA6B-related disorder. Also called: SEMA6B-related condition.
Epilepsy, progressive myoclonic, 11. Identifiers: MedGen C5394362, MONDO:0030034, OMIM 618876.

Allele frequency attached by ClinVar (database versions not stated): ESP Exome Variant Server 0.37219; gnomAD 0.42756 and 0.43141; TOPMed 0.43012; gnomAD exomes 0.44459 and 0.47246; 1000 Genomes Project 30x 0.45753; 1000 Genomes Project 0.46645; ExAC 0.57823.
gnomAD v4.1: 558,116 of 1,261,024 alleles (44%); highest among the groups gnomAD compares: East Asian, 55%; 124,436 homozygotes.

Submissions (4):

Genome-Nilou Lab
Classification: Benign for Epilepsy, progressive myoclonic, 11. Last evaluated: 2021-07-15. Review status: criteria provided, single submitter. Criteria: ACMG Guidelines, 2015. Collection method: clinical testing. Allele origin: germline. Affected: no.

GeneDx
Classification: Benign. Last evaluated: 2019-07-17. Review status: criteria provided, single submitter. Criteria: GeneDx Variant Classification Process June 2021. Collection method: clinical testing. Allele origin: germline. Affected: yes.

Breakthrough Genomics
Classification: Benign. Review status: criteria provided, single submitter. Criteria: ACMG Guidelines, 2015. Collection method: not provided. Allele origin: germline. Inheritance: Autosomal dominant inheritance. Affected: yes.

PreventionGenetics, part of Exact Sciences
Classification: Benign for SEMA6B-related condition. Last evaluated: 2022-02-16. Review status: no assertion criteria provided. Collection method: clinical testing. Allele origin: germline. Not counted in ClinVar's aggregate classification.
Comment: This variant is classified as benign based on ACMG/AMP sequence variant interpretation guidelines (Richards et al. 2015 PMID: 25741868, with internal and published modifications).

NM_032108.4(SEMA6B):c.39G>C (p.Leu13=)

Gene: SEMA6B (semaphorin 6B; minus strand). Cytogenetic location: 19p13.3.
Variant type: single nucleotide variant.
Coding change: c.39G>C on transcript NM_032108.4 (MANE Select); coding-DNA position 39, G replaced by C.
Protein change: p.Leu13=; no amino-acid change (leucine 13 retained).
Molecular consequence: synonymous variant.
Genome position (GRCh38, 1-based): chr19:4,558,419, C>G on the plus strand (G>C on the coding strand, the complement: SEMA6B is on the minus strand). VCF-style: chr19-4558419-C-G. GRCh37 (hg19) VCF-style: chr19-4558431-C-G.
Identifiers: ClinVar variation 1237432 (VCV001237432.8), dbSNP rs2304213, ClinGen allele CA9103048.